The following is an entry in ClinVar:

NM_182961.4(SYNE1):c.22189A>G (p.Lys7397Glu)

Gene: SYNE1 (spectrin repeat containing nuclear envelope protein 1; minus strand). Cytogenetic location: 6q25.2.
Variant type: single nucleotide variant.
Coding change: c.22189A>G on transcript NM_182961.4 (MANE Select); coding-DNA position 22189, A replaced by G.
Protein change: p.Lys7397Glu; replaces lysine 7397 with glutamic acid.
Molecular consequence: missense variant.
Genome position (GRCh38, 1-based): chr6:152,218,259, T>C on the plus strand (A>G on the coding strand, the complement: SYNE1 is on the minus strand). VCF-style: chr6-152218259-T-C. GRCh37 (hg19) VCF-style: chr6-152539394-T-C.
Other names: c.21976A>G, p.Lys7326Glu (NM_033071.5); short protein forms K7326E, K7397E.
Identifiers: ClinVar variation 2684045 (VCV002684045.2), dbSNP rs768904254, ClinGen allele CA150180186.

ClinVar aggregate classification (germline): Uncertain significance (1 of 4 stars; one submission).

Allele frequency attached by ClinVar (database versions not stated): gnomAD exomes 0.00002; TOPMed below 0.00001; gnomAD 0.00001.
gnomAD v4.1: 32 of 1,613,952 alleles (0.002%); highest among the groups gnomAD compares: Non-Finnish European, 0.0026%; no homozygotes.

Submission:

Athena Diagnostics
Classification: Uncertain significance. Last evaluated: 2024-12-23. Review status: criteria provided, single submitter. Criteria: Athena Diagnostics Criteria. Collection method: clinical testing. Allele origin: unknown.
Comment: Available data are insufficient to determine the clinical significance of the variant at this time. The frequency of this variant in the general population is uninformative in assessment of its pathogenicity. Computational tools disagree on the variant's effect on normal protein function.